The following is an entry in ClinVar:

NM_006363.6(SEC23B):c.1887del (p.His631fs)

Gene: SEC23B (SEC23 homolog B, COPII component; plus strand). Cytogenetic location: 20p11.23.
Variant type: Deletion.
Coding change: c.1887del on transcript NM_006363.6 (MANE Select); coding-DNA position 1887, one base deleted (C; older notation c.1887delC).
Protein change: p.His631fs; shifts the reading frame from histidine 631.
Molecular consequence: frameshift variant.
Genome position (GRCh38, 1-based): chr20:18,548,752, C deleted; the last of 2 consecutive C bases (chr20:18,548,751-18,548,752); deleting either gives the same sequence. VCF-style (leftmost placement, unchanged base first): chr20-18548750-TC-T. GRCh37 (hg19) VCF-style: chr20-18529394-TC-T.
Other names: c.1887del, p.His631fs (NM_001172745.3, NM_032985.6, NM_032986.5); c.1833del, p.His613fs (NM_001172746.3); short protein forms H631fs, H613fs.
Identifiers: ClinVar variation 809228 (VCV000809228.44), dbSNP rs1216879587, ClinGen allele CA634869731.

ClinVar aggregate classification (germline): Pathogenic/Likely pathogenic. Review status: criteria provided, multiple submitters, no conflicts (2 of 4 stars). 2 submissions from 2 submitters: Pathogenic (1); Likely pathogenic (1). Last evaluated 2024-07-25.

Conditions:
Congenital dyserythropoietic anemia, type II (CDAN2). Also called: DYSERYTHROPOIETIC ANEMIA, HEMPAS TYPE. Identifiers: Orphanet 98873, MedGen C1306589, MONDO:0009134, OMIM 224100.
Cowden syndrome 7 (CWS7). Identifiers: Orphanet 201, MedGen C4225179, MONDO:0014802, OMIM 616858.

Submissions (2):

Labcorp Genetics (formerly Invitae), Labcorp
Classification: Pathogenic for Congenital dyserythropoietic anemia, type II; Cowden syndrome 7. Last evaluated: 2024-07-25. Review status: criteria provided, single submitter. Criteria: Invitae Variant Classification Sherloc (09022015). Collection method: clinical testing. Allele origin: germline.
Comment: This sequence change creates a premature translational stop signal (p.His631Metfs*15) in the SEC23B gene. It is expected to result in an absent or disrupted protein product. Loss-of-function variants in SEC23B are known to be pathogenic (PMID: 19561605, 25044164). This variant is present in population databases (no rsID available, gnomAD 0.0009%). This variant has not been reported in the literature in individuals affected with SEC23B-related conditions. ClinVar contains an entry for this variant (Variation ID: 809228). For these reasons, this variant has been classified as Pathogenic.

CeGaT Center for Human Genetics Tuebingen
Classification: Likely pathogenic. Last evaluated: 2019-04-01. Review status: criteria provided, single submitter. Criteria: CeGaT Center For Human Genetics Tuebingen Variant Classification Criteria Version 2. Collection method: clinical testing. Allele origin: germline. Affected: yes. Observed: 2 variant alleles.

Literature cited by the submitters: PubMed 19561605 (cited by Labcorp Genetics (formerly Invitae), Labcorp); PubMed 25044164 (cited by Labcorp Genetics (formerly Invitae), Labcorp).